The following is an entry in ClinVar:

ClinVar aggregate classification (germline): Pathogenic. Review status: criteria provided, multiple submitters, no conflicts (2 of 4 stars). 2 submissions from 2 submitters: Pathogenic (2). Last evaluated 2024-12-30.

Conditions:
Long QT syndrome (LQTS). Identifiers: MedGen C0023976, MeSH D008133, MONDO:0002442. Disease mechanism: loss of function. Inheritance: Various modes of inheritance.
Cardiovascular phenotype. Identifiers: MedGen CN230736.

Submissions (2):

Labcorp Genetics (formerly Invitae), Labcorp
Classification: Pathogenic for Long QT syndrome. Last evaluated: 2024-12-30. Review status: criteria provided, single submitter. Criteria: Invitae Variant Classification Sherloc (09022015). Collection method: clinical testing. Allele origin: germline.
Comment: This sequence change creates a premature translational stop signal (p.Leu953Profs*166) in the KCNH2 gene. While this is not anticipated to result in nonsense mediated decay, it is expected to disrupt the last 207 amino acid(s) of the KCNH2 protein. This variant is not present in population databases (gnomAD no frequency). This variant has not been reported in the literature in individuals affected with KCNH2-related conditions. ClinVar contains an entry for this variant (Variation ID: 2227986). This variant disrupts a region of the KCNH2 protein in which other variant(s) (p.Asp1037Argfs*82) have been determined to be pathogenic (PMID: 10086971, 10973849, 11222472, 23098067). This suggests that this is a clinically significant region of the protein, and that variants that disrupt it are likely to be disease-causing. For these reasons, this variant has been classified as Pathogenic.

Ambry Genetics
Classification: Pathogenic for Cardiovascular phenotype. Last evaluated: 2020-11-17. Review status: criteria provided, single submitter. Criteria: Ambry Variant Classification Scheme 2023. Collection method: clinical testing. Allele origin: germline.
Comment: The c.2857dupC (p.L953Pfs*166) alteration, located in coding exon 12 of the KCNH2 gene, consists of a duplication of C at position 2857, causing a translational frameshift with a predicted alternate stop codon after 166 amino acids. This alteration occurs at the 3' terminus of the KCNH2 gene, is not expected to trigger nonsense-mediated mRNA decay, and impacts the last 17.8% of the protein. However, premature stop codons are typically deleterious in nature, a significant portion of the protein is affected (Ambry internal data), and additional truncating alterations downstream of this alteration have been reported in the literature as disease-causing. Based on data from the Genome Aggregation Database (gnomAD), the KCNH2 c.2857dupC alteration was not observed, with coverage at this position. Based on the available evidence, this alteration is classified as pathogenic.

Literature cited by the submitters: PubMed 10086971 (cited by Labcorp Genetics (formerly Invitae), Labcorp); PubMed 10973849 (cited by Labcorp Genetics (formerly Invitae), Labcorp); PubMed 11222472 (cited by Labcorp Genetics (formerly Invitae), Labcorp); PubMed 23098067 (cited by Labcorp Genetics (formerly Invitae), Labcorp).

NM_000238.4(KCNH2):c.2857dup (p.Leu953fs)

Gene: KCNH2 (potassium voltage-gated channel subfamily H member 2; minus strand). Cytogenetic location: 7q36.1.
Variant type: Duplication.
Coding change: c.2857dup on transcript NM_000238.4 (MANE Select); coding-DNA position 2857, one base duplicated (C; older notation c.2857dupC).
Protein change: p.Leu953fs; shifts the reading frame from leucine 953.
Molecular consequence: frameshift variant.
Genome position (GRCh38, 1-based): chr7:150,947,714, G duplicated on the plus strand (C on the coding strand, the reverse complement: KCNH2 is on the minus strand); the first of 5 consecutive G bases (chr7:150,947,714-150,947,718); duplicating any one gives the same sequence. VCF-style (leftmost placement, unchanged base first): chr7-150947713-A-AG. GRCh37 (hg19) VCF-style: chr7-150644801-A-AG.
Other names: c.2857dupC (NM_000238.3); c.2565dup, p.Leu857Profs (NM_001406753.1); c.1837dup, p.Leu613fs (NM_172057.3); short protein forms L613fs, L953fs.
Identifiers: ClinVar variation 2227986 (VCV002227986.4), dbSNP rs794728503, ClinGen allele CA2580077743.